The following is an entry in ClinVar:

NM_001130009.3(GEN1):c.1504A>G (p.Lys502Glu)

Gene: GEN1 (GEN1 Holliday junction 5' flap endonuclease; plus strand). Cytogenetic location: 2p24.2.
Variant type: single nucleotide variant.
Coding change: c.1504A>G on transcript NM_001130009.3 (MANE Select); coding-DNA position 1504, A replaced by G.
Protein change: p.Lys502Glu; replaces lysine 502 with glutamic acid.
Molecular consequence: missense variant.
Genome position (GRCh38, 1-based): chr2:17,780,716, A>G. VCF-style: chr2-17780716-A-G. GRCh37 (hg19) VCF-style: chr2-17961983-A-G.
Other names: c.1504A>G, p.Lys502Glu (NM_182625.5); short protein forms K502E.
Identifiers: ClinVar variation 4029217 (VCV004029217.1).
Genomic context (GRCh38, chr2:17,780,716, plus strand): 5'-GATGAAGTAATGAGCTTTCAGTCACACATGACTTTAAAACCCACATGTGAAATCTTTCAT[A>G]AGCAGAATTCCAAGTTAAATTCGGGGATTTCCCCTGATCCTACATTACCACAGGAATCTA-3'
Protein context (NP_001123481.3, residues 492-512): TLKPTCEIFH[Lys502Glu]QNSKLNSGIS

ClinVar aggregate classification (germline): Uncertain significance (1 of 4 stars; one submission).

Submission:

Ambry Genetics
Classification: Uncertain significance. Last evaluated: 2025-04-11. Review status: criteria provided, single submitter. Criteria: Ambry Variant Classification Scheme 2023. Collection method: clinical testing. Allele origin: germline.
Comment: The p.K502E variant (also known as c.1504A>G), located in coding exon 13 of the GEN1 gene, results from an A to G substitution at nucleotide position 1504. The lysine at codon 502 is replaced by glutamic acid, an amino acid with similar properties. This amino acid position is conserved. In addition, this alteration is predicted to be tolerated by in silico analysis. Based on the available evidence, the clinical significance of this variant remains unclear.